The following is an entry in ClinVar:

NM_000784.4(CYP27A1):c.125dup (p.Ala43fs)

Gene: CYP27A1 (cytochrome P450 family 27 subfamily A member 1; plus strand). Cytogenetic location: 2q35.
Variant type: Duplication.
Coding change: c.125dup on transcript NM_000784.4 (MANE Select); coding-DNA position 125, one base duplicated (G; older notation c.125dupG).
Protein change: p.Ala43fs; shifts the reading frame from alanine 43.
Molecular consequence: frameshift variant.
Genome position (GRCh38, 1-based): chr2:218,782,307, G duplicated; the last of 2 consecutive G bases (chr2:218,782,306-218,782,307); duplicating either gives the same sequence. VCF-style (leftmost placement, unchanged base first): chr2-218782305-C-CG. GRCh37 (hg19) VCF-style: chr2-219647028-C-CG.
Other names: short protein forms A43fs.
Identifiers: ClinVar variation 5011997 (VCV005011997.1).

ClinVar aggregate classification (germline): Pathogenic (1 of 4 stars; one submission).

Conditions:
Cholestanol storage disease (CTX). Also called: CEREBRAL CHOLESTERINOSIS; Cerebrotendinous Xanthomatosis; CTX: Cerebrotendinous xanthomatosis. Identifiers: Orphanet 909, MedGen C0238052, MONDO:0008948, OMIM 213700.

Submission:

Myriad Genetics, Inc.
Classification: Pathogenic for Cholestanol storage disease. Last evaluated: 2023-09-27. Review status: criteria provided, single submitter. Criteria: Myriad Autosomal Dominant, Autosomal Recessive and X-Linked Classification Criteria (2023). Collection method: clinical testing. Allele origin: unknown.
Comment: NM_000784.3(CYP27A1):c.125dupG(A43Sfs*138) is expected to be pathogenic in the context of cerebrotendinous xanthomatosis. This variant is predicted to lead to an abnormal or absent protein product due to the creation of a premature termination codon in CYP27A1, a gene where loss-of-function variants are known to be pathogenic. Please note: this variant was assessed in the context of healthy population screening.